The following is an entry in ClinVar:

NM_001145358.2(SIN3A):c.1324C>T (p.Pro442Ser)

Gene: SIN3A (SIN3 transcription regulator family member A; minus strand). Cytogenetic location: 15q24.2.
Variant type: single nucleotide variant.
Coding change: c.1324C>T on transcript NM_001145358.2 (MANE Select); coding-DNA position 1324, C replaced by T.
Protein change: p.Pro442Ser; replaces proline 442 with serine.
Molecular consequence: missense variant.
Genome position (GRCh38, 1-based): chr15:75,407,138, G>A on the plus strand (C>T on the coding strand, the complement: SIN3A is on the minus strand). VCF-style: chr15-75407138-G-A. GRCh37 (hg19) VCF-style: chr15-75699479-G-A.
Other names: c.1324C>T, p.Pro442Ser (NM_001145357.2, NM_015477.3); short protein forms P442S.
Identifiers: ClinVar variation 2988624 (VCV002988624.3), dbSNP rs753619631, ClinGen allele CA7667669.

ClinVar aggregate classification (germline): Uncertain significance (1 of 4 stars; one submission).

Allele frequency attached by ClinVar (database versions not stated): gnomAD 0.00001; gnomAD exomes 0.00001; ExAC 0.00002; TOPMed 0.00004.
gnomAD v4.1: 9 of 1,606,622 alleles (0.00056%); highest among the groups gnomAD compares: African/African-American, 0.008%; no homozygotes.

Submission:

Labcorp Genetics (formerly Invitae), Labcorp
Classification: Uncertain significance. Last evaluated: 2024-01-24. Review status: criteria provided, single submitter. Criteria: Invitae Variant Classification Sherloc (09022015). Collection method: clinical testing. Allele origin: germline.
Comment: This sequence change replaces proline, which is neutral and non-polar, with serine, which is neutral and polar, at codon 442 of the SIN3A protein (p.Pro442Ser). This variant is present in population databases (rs753619631, gnomAD 0.02%). This variant has not been reported in the literature in individuals affected with SIN3A-related conditions. Advanced modeling of protein sequence and biophysical properties (such as structural, functional, and spatial information, amino acid conservation, physicochemical variation, residue mobility, and thermodynamic stability) performed at Invitae indicates that this missense variant is not expected to disrupt SIN3A protein function with a negative predictive value of 80%. In summary, the available evidence is currently insufficient to determine the role of this variant in disease. Therefore, it has been classified as a Variant of Uncertain Significance.